The following is an entry in ClinVar:

NM_000350.3(ABCA4):c.5714+4C>T

Gene: ABCA4 (ATP binding cassette subfamily A member 4; minus strand). Cytogenetic location: 1p22.1.
Variant type: single nucleotide variant.
Coding change: c.5714+4C>T on transcript NM_000350.3 (MANE Select); 4 bases into the intron after coding-DNA position 5714, C replaced by T.
Molecular consequence: intron variant.
Genome position (GRCh38, 1-based): chr1:94,010,796, G>A on the plus strand (C>T on the coding strand, the complement: ABCA4 is on the minus strand). VCF-style: chr1-94010796-G-A. GRCh37 (hg19) VCF-style: chr1-94476352-G-A.
Identifiers: ClinVar variation 236138 (VCV000236138.9), dbSNP rs376586802, ClinGen allele CA957175.

ClinVar aggregate classification (germline): Uncertain significance. Review status: criteria provided, multiple submitters, no conflicts (2 of 4 stars). 4 submissions from 3 submitters: Uncertain significance (4). Last evaluated 2025-06-22.

Conditions:
Retinal dystrophy. Also called: Inherited retinal dystrophy. Identifiers: Orphanet 71862, MedGen C0854723, MeSH D058499, MONDO:0019118, HP:0000556.
Severe early-childhood-onset retinal dystrophy (STGD1). Also called: Stargardt macular dystrophy; Juvenile onset macular degeneration; Stargardt disease 1; STGD; MACULAR DYSTROPHY WITH FLECKS, TYPE 1. Identifiers: Orphanet 364055, Orphanet 827, MedGen C1855465, MeSH D000080362, MONDO:0009549, OMIM 248200.

Allele frequency attached by ClinVar (database versions not stated): gnomAD exomes 0.00007; ESP Exome Variant Server 0.00008; ExAC 0.00005; gnomAD 0.00009; TOPMed 0.00007.
gnomAD v4.1: 117 of 1,614,128 alleles (0.0072%); highest among the groups gnomAD compares: East Asian, 0.033%; no homozygotes.

Submissions (4):

Labcorp Genetics (formerly Invitae), Labcorp
Classification: Uncertain significance. Last evaluated: 2025-06-22. Review status: criteria provided, single submitter. Criteria: Invitae Variant Classification Sherloc (09022015). Collection method: clinical testing. Allele origin: germline.
Comment: This sequence change falls in intron 40 of the ABCA4 gene. It does not directly change the encoded amino acid sequence of the ABCA4 protein. It affects a nucleotide within the consensus splice site. This variant is present in population databases (rs376586802, gnomAD 0.02%). This variant has been observed in individual(s) with ABCA4-related conditions (PMID: 28118664). ClinVar contains an entry for this variant (Variation ID: 236138). Variants that disrupt the consensus splice site are a relatively common cause of aberrant splicing (PMID: 17576681, 9536098). Algorithms developed to predict the effect of sequence changes on RNA splicing suggest that this variant is not likely to affect RNA splicing. In summary, the available evidence is currently insufficient to determine the role of this variant in disease. Therefore, it has been classified as a Variant of Uncertain Significance.

Blueprint Genetics
Classification: Uncertain significance. Last evaluated: 2024-09-03. Review status: criteria provided, single submitter. Criteria: ACMG Guidelines, 2015. Collection method: clinical testing. Allele origin: germline.

Institute of Human Genetics, Univ. Regensburg, Univ. Regensburg
Classification: Uncertain significance for Severe early-childhood-onset retinal dystrophy. Last evaluated: 2016-01-01. Review status: criteria provided, single submitter. Criteria: Schulz et al. (Invest Ophthalmol Vis Sci. 2017). Collection method: clinical testing. Allele origin: germline. Affected: yes. Observed: 1 heterozygote.

Institute of Human Genetics, Univ. Regensburg, Univ. Regensburg
Classification: Uncertain significance for Retinal dystrophy. Last evaluated: 2013-01-01. Review status: criteria provided, single submitter. Criteria: ACMG Guidelines, 2015. Collection method: clinical testing. Allele origin: germline. Affected: yes.

Literature cited by the submitters: PubMed 28118664 (cited by Labcorp Genetics (formerly Invitae), Labcorp and Institute of Human Genetics, Univ. Regensburg, Univ. Regensburg); PubMed 17576681 (cited by Labcorp Genetics (formerly Invitae), Labcorp); PubMed 9536098 (cited by Labcorp Genetics (formerly Invitae), Labcorp).